The following is an entry in ClinVar:

ClinVar aggregate classification (germline): Uncertain significance (1 of 4 stars; one submission).

Conditions:
Carney complex, type 1 (CNC1). Also called: CARNEY COMPLEX, TYPE I; CARNEY MYXOMA-ENDOCRINE COMPLEX. Identifiers: Orphanet 1359, MedGen C2607929, MONDO:0008057, OMIM 160980.

Submission:

Labcorp Genetics (formerly Invitae), Labcorp
Classification: Uncertain significance for Carney complex, type 1. Last evaluated: 2023-11-17. Review status: criteria provided, single submitter. Criteria: Invitae Variant Classification Sherloc (09022015). Collection method: clinical testing. Allele origin: germline.
Comment: This sequence change replaces tyrosine, which is neutral and polar, with phenylalanine, which is neutral and non-polar, at codon 105 of the PRKAR1A protein (p.Tyr105Phe). This variant is not present in population databases (gnomAD no frequency). This variant has not been reported in the literature in individuals affected with PRKAR1A-related conditions. Advanced modeling of protein sequence and biophysical properties (such as structural, functional, and spatial information, amino acid conservation, physicochemical variation, residue mobility, and thermodynamic stability) performed at Invitae indicates that this missense variant is not expected to disrupt PRKAR1A protein function with a negative predictive value of 80%. In summary, the available evidence is currently insufficient to determine the role of this variant in disease. Therefore, it has been classified as a Variant of Uncertain Significance.

NM_002734.5(PRKAR1A):c.314A>T (p.Tyr105Phe)

Gene: PRKAR1A (protein kinase cAMP-dependent type I regulatory subunit alpha; plus strand). Cytogenetic location: 17q24.2.
Variant type: single nucleotide variant.
Coding change: c.314A>T on transcript NM_002734.5 (MANE Select); coding-DNA position 314, A replaced by T.
Protein change: p.Tyr105Phe; replaces tyrosine 105 with phenylalanine.
Molecular consequence: missense variant.
Genome position (GRCh38, 1-based): chr17:68,522,892, A>T. VCF-style: chr17-68522892-A-T. GRCh37 (hg19) VCF-style: chr17-66519033-A-T.
Other names: c.314A>T, p.Tyr105Phe (NM_001276289.2, NM_001276290.1, NM_001278433.2 and 4 more transcripts); short protein forms Y105F.
Identifiers: ClinVar variation 2696505 (VCV002696505.3), dbSNP rs2509399466, ClinGen allele CA400752448.